The following is an entry in ClinVar:

NM_003872.3(NRP2):c.1598A>G (p.Lys533Arg)

Gene: NRP2 (neuropilin 2; plus strand). Cytogenetic location: 2q33.3.
Variant type: single nucleotide variant.
Coding change: c.1598A>G on transcript NM_003872.3 (MANE Select); coding-DNA position 1598, A replaced by G.
Protein change: p.Lys533Arg; replaces lysine 533 with arginine.
Molecular consequence: missense variant.
Genome position (GRCh38, 1-based): chr2:205,743,509, A>G. VCF-style: chr2-205743509-A-G. GRCh37 (hg19) VCF-style: chr2-206608233-A-G.
Other names: c.1598A>G, p.Lys533Arg (NM_018534.4, NM_201264.2, NM_201266.2 and 2 more transcripts); short protein forms K533R.
Identifiers: ClinVar variation 3033067 (VCV003033067.4), dbSNP rs758760273, ClinGen allele CA2069131.

ClinVar aggregate classification (germline): Uncertain significance. Review status: criteria provided, multiple submitters, no conflicts (2 of 4 stars). 2 submissions from 2 submitters: Uncertain significance (2). Last evaluated 2026-01-30.

Conditions:
NRP2-related disorder. Also called: NRP2-related condition.

Allele frequency attached by ClinVar (database versions not stated): gnomAD exomes 0.00001; ExAC 0.00002; gnomAD 0.00007; TOPMed 0.00010.
gnomAD v4.1: 19 of 1,614,090 alleles (0.0012%); highest among the groups gnomAD compares: African/African-American, 0.023%; no homozygotes.

Submissions (2):

PreventionGenetics, part of Exact Sciences
Classification: Uncertain significance for NRP2-related condition. Last evaluated: 2026-01-30. Review status: criteria provided, single submitter. Criteria: ACMG Guidelines, 2015. Collection method: clinical testing. Allele origin: germline.
Comment: The NRP2 c.1598A>G variant is predicted to result in the amino acid substitution p.Lys533Arg. To our knowledge, this variant has not been reported in the literature. This variant is reported in 0.020% of alleles in individuals of African descent in gnomAD. At this time, the clinical significance of this variant is uncertain due to the absence of conclusive functional and genetic evidence.

Ambry Genetics
Classification: Uncertain significance. Last evaluated: 2024-08-20. Review status: criteria provided, single submitter. Criteria: Ambry Variant Classification Scheme 2023. Collection method: clinical testing. Allele origin: germline.